The following is an entry in ClinVar:

ClinVar aggregate classification (germline): Uncertain significance (1 of 4 stars; one submission).

Submission:

GeneDx
Classification: Uncertain significance. Last evaluated: 2024-11-27. Review status: criteria provided, single submitter. Criteria: GeneDx Variant Classification Process June 2021. Collection method: clinical testing. Allele origin: germline. Affected: yes.
Comment: Not observed at significant frequency in large population cohorts (gnomAD); In silico analysis indicates that this missense variant does not alter protein structure/function; Has not been previously published as pathogenic or benign to our knowledge

NM_031407.7(HUWE1):c.6133G>A (p.Asp2045Asn)

Gene: HUWE1 (HECT, UBA and WWE domain containing E3 ubiquitin protein ligase 1; minus strand). Cytogenetic location: Xp11.22.
Variant type: single nucleotide variant.
Coding change: c.6133G>A on transcript NM_031407.7 (MANE Select); coding-DNA position 6133, G replaced by A.
Protein change: p.Asp2045Asn; replaces aspartic acid 2045 with asparagine.
Molecular consequence: missense variant.
Genome position (GRCh38, 1-based): chrX:53,573,929, C>T on the plus strand (G>A on the coding strand, the complement: HUWE1 is on the minus strand). VCF-style: chrX-53573929-C-T. GRCh37 (hg19) VCF-style: chrX-53600889-C-T.
Other names: short protein forms D2045N.
Identifiers: ClinVar variation 3901545 (VCV003901545.1).